The following is an entry in ClinVar:

ClinVar aggregate classification (germline): Likely pathogenic (1 of 4 stars; one submission).

Conditions:
Ataxia-telangiectasia syndrome (AT). Also called: Ataxia-telangiectasia, complementation group D; AT, COMPLEMENTATION GROUP C; ATAXIA-TELANGIECTASIA, COMPLEMENTATION GROUP A; ATAXIA-TELANGIECTASIA, FRESNO VARIANT; Ataxia-telangiectasia; Ataxia-telangiectasia, complementation group E. Identifiers: Orphanet 100, MedGen C0004135, MONDO:0008840, OMIM 208900.

Submission:

Labcorp Genetics (formerly Invitae), Labcorp
Classification: Likely pathogenic for Ataxia-telangiectasia syndrome. Last evaluated: 2024-12-18. Review status: criteria provided, single submitter. Criteria: Invitae Variant Classification Sherloc (09022015). Collection method: clinical testing. Allele origin: germline.
Comment: This sequence change affects a donor splice site in intron 57 of the ATM gene. RNA analysis indicates that disruption of this splice site induces altered splicing and may result in an absent or altered protein product. This variant is not present in population databases (gnomAD no frequency). This variant has not been reported in the literature in individuals affected with ATM-related conditions. Studies have shown that disruption of this splice site results in skipping of exon 57, and produces a non-functional protein and/or introduces a premature termination codon (internal data). In summary, the currently available evidence indicates that the variant is pathogenic, but additional data are needed to prove that conclusively. Therefore, this variant has been classified as Likely Pathogenic.

NM_000051.4(ATM):c.8418+2T>G

Genes: ATM (ATM serine/threonine kinase; plus strand), C11orf65 (chromosome 11 open reading frame 65; minus strand). Cytogenetic location: 11q22.3.
Variant type: single nucleotide variant.
Coding change: c.8418+2T>G on transcript NM_000051.4 (MANE Select); the canonical splice donor site of the intron after coding-DNA position 8418, T replaced by G.
Molecular consequence: splice donor variant. On other transcripts: intron variant (2).
Genome position (GRCh38, 1-based): chr11:108,343,373, T>G. VCF-style: chr11-108343373-T-G. GRCh37 (hg19) VCF-style: chr11-108214100-T-G.
Other names: c.8418+2T>G (NM_001351834.2); c.641-34302A>C (NM_001330368.2); c.695-8081A>C (NM_001351110.2).
Identifiers: ClinVar variation 3727563 (VCV003727563.2).